The following is an entry in ClinVar:

ClinVar aggregate classification (germline): Uncertain significance (1 of 4 stars; one submission).

Submission:

Women's Health and Genetics/Laboratory Corporation of America, LabCorp
Classification: Uncertain significance. Last evaluated: 2026-01-30. Review status: criteria provided, single submitter. Criteria: LabCorp Variant Classification Summary - May 2015. Collection method: clinical testing. Allele origin: germline.
Comment: Variant summary: DDX3X c.595C>A (p.Arg199Ser) results in a non-conservative amino acid change located in the Helicase superfamily 1/2, ATP-binding domain (IPR014001) of the encoded protein sequence. Algorithms developed to predict the effect of missense changes on protein structure and function are either unavailable or do not agree on the potential impact of this missense change. The variant was absent in 175669 control chromosomes. The available data on variant occurrences in the general population are insufficient to allow any conclusion about variant significance. To our knowledge, no occurrence of c.595C>A in individuals affected with DDX3X-related conditions and no experimental evidence demonstrating its impact on protein function have been reported. ClinVar contains an entry for this variant (Variation ID: 3769471). Based on the evidence outlined above, the variant was classified as uncertain significance.

NM_001356.5(DDX3X):c.595C>A (p.Arg199Ser)

Gene: DDX3X (DEAD-box helicase 3 X-linked; plus strand). Cytogenetic location: Xp11.4.
Variant type: single nucleotide variant.
Coding change: c.595C>A on transcript NM_001356.5 (MANE Select); coding-DNA position 595, C replaced by A.
Protein change: p.Arg199Ser; replaces arginine 199 with serine.
Molecular consequence: missense variant. On other transcripts: non-coding transcript variant (1).
Genome position (GRCh38, 1-based): chrX:41,343,267, C>A. VCF-style: chrX-41343267-C-A. GRCh37 (hg19) VCF-style: chrX-41202520-C-A.
Other names: c.595C>A, p.Arg199Ser (NM_001193416.3); c.547C>A, p.Arg183Ser (NM_001193417.3); c.37C>A, p.Arg13Ser (NM_001363819.1); short protein forms R13S, R183S, R199S.
Identifiers: ClinVar variation 3769471 (VCV003769471.4).
Genomic context (GRCh38, chrX:41,343,267, plus strand): 5'-TCTTAACAGTTCAGTGATGTTGAGATGGGAGAAATTATCATGGGAAACATTGAGCTTACT[C>A]GTTATACTCGCCCAACTCCAGTGCAAAAGCATGCTATTCCTATTATCAAAGAGAAAAGAG-3'
Protein context (NP_001347.3, residues 189-209): EIIMGNIELT[Arg199Ser]YTRPTPVQKH